The following is an entry in ClinVar:

NM_012431.3(SEMA3E):c.361G>A (p.Val121Ile)

Gene: SEMA3E (semaphorin 3E; minus strand). Cytogenetic location: 7q21.11.
Variant type: single nucleotide variant.
Coding change: c.361G>A on transcript NM_012431.3 (MANE Select); coding-DNA position 361, G replaced by A.
Protein change: p.Val121Ile; replaces valine 121 with isoleucine.
Molecular consequence: missense variant.
Genome position (GRCh38, 1-based): chr7:83,466,577, C>T on the plus strand (G>A on the coding strand, the complement: SEMA3E is on the minus strand). VCF-style: chr7-83466577-C-T. GRCh37 (hg19) VCF-style: chr7-83095893-C-T.
Other names: c.181G>A, p.Val61Ile (NM_001178129.2); short protein forms V121I, V61I.
Identifiers: ClinVar variation 3349962 (VCV003349962.2).

ClinVar aggregate classification (germline): Uncertain significance. Review status: criteria provided, single submitter (1 of 4 stars). 2 submissions from 2 submitters: Uncertain significance (1). 1 of the submissions does not count toward it. Last evaluated 2025-06-17.

Conditions:
SEMA3E-related disorder. Also called: SEMA3E-related condition.
CHARGE syndrome (CHARGE). Also called: Hittner Hirsch Kreh syndrome; CHARGE ASSOCIATION--COLOBOMA, HEART ANOMALY, CHOANAL ATRESIA, RETARDATION, GENITAL AND EAR ANOMALIES; Coloboma, heart anomaly, choanal atresia, retardation, genital and ear anomalies; CHARGE association; Hall-Hittner syndrome. Identifiers: Orphanet 138, MedGen C0265354, MONDO:0008965.

gnomAD v4.1: 3 of 1,613,730 alleles (0.00019%); highest among the groups gnomAD compares: Admixed American, 0.0017%; no homozygotes.

Submissions (2):

Labcorp Genetics (formerly Invitae), Labcorp
Classification: Uncertain significance for CHARGE syndrome. Last evaluated: 2025-06-17. Review status: criteria provided, single submitter. Criteria: Invitae Variant Classification Sherloc (09022015). Collection method: clinical testing. Allele origin: germline.
Comment: This sequence change replaces valine, which is neutral and non-polar, with isoleucine, which is neutral and non-polar, at codon 121 of the SEMA3E protein (p.Val121Ile). This variant is present in population databases (no rsID available, gnomAD 0.003%). This variant has not been reported in the literature in individuals affected with SEMA3E-related conditions. ClinVar contains an entry for this variant (Variation ID: 3349962). Invitae Evidence Modeling of protein sequence and biophysical properties (such as structural, functional, and spatial information, amino acid conservation, physicochemical variation, residue mobility, and thermodynamic stability) indicates that this missense variant is not expected to disrupt SEMA3E protein function with a negative predictive value of 80%. In summary, the available evidence is currently insufficient to determine the role of this variant in disease. Therefore, it has been classified as a Variant of Uncertain Significance.

PreventionGenetics, part of Exact Sciences
Classification: Uncertain significance for SEMA3E-related condition. Last evaluated: 2023-11-30. Review status: no assertion criteria provided. Collection method: clinical testing. Allele origin: germline. Not counted in ClinVar's aggregate classification.
Comment: The SEMA3E c.361G>A variant is predicted to result in the amino acid substitution p.Val121Ile. To our knowledge, this variant has not been reported in the literature. This variant is reported in 0.0029% of alleles in individuals of Latino descent in gnomAD. At this time, the clinical significance of this variant is uncertain due to the absence of conclusive functional and genetic evidence.